The following is an entry in ClinVar:

NM_001365480.1(CCDC88A):c.4922G>C (p.Ser1641Thr)

Gene: CCDC88A (coiled-coil and HOOK domain protein 88A; minus strand). Cytogenetic location: 2p16.1.
Variant type: single nucleotide variant.
Coding change: c.4922G>C on transcript NM_001365480.1 (MANE Select); coding-DNA position 4922, G replaced by C.
Protein change: p.Ser1641Thr; replaces serine 1641 with threonine.
Molecular consequence: missense variant.
Genome position (GRCh38, 1-based): chr2:55,296,427, C>G on the plus strand (G>C on the coding strand, the complement: CCDC88A is on the minus strand). VCF-style: chr2-55296427-C-G. GRCh37 (hg19) VCF-style: chr2-55523563-C-G.
Other names: c.4919G>C, p.Ser1640Thr (NM_001135597.2, NM_001254943.2); c.4838G>C, p.Ser1613Thr (NM_018084.5); short protein forms S1641T, S1613T, S1640T.
Identifiers: ClinVar variation 1477976 (VCV001477976.6), dbSNP rs757576625, ClinGen allele CA1665434.

ClinVar aggregate classification (germline): Uncertain significance (1 of 4 stars; one submission).

Allele frequency attached by ClinVar (database versions not stated): gnomAD 0.00001 and 0.00004.
gnomAD v4.1: 138 of 1,614,178 alleles (0.0085%); highest among the groups gnomAD compares: East Asian, 0.29%; 1 homozygote.

Submission:

Labcorp Genetics (formerly Invitae), Labcorp
Classification: Uncertain significance. Last evaluated: 2024-12-02. Review status: criteria provided, single submitter. Criteria: Invitae Variant Classification Sherloc (09022015). Collection method: clinical testing. Allele origin: germline.
Comment: This sequence change replaces serine, which is neutral and polar, with threonine, which is neutral and polar, at codon 1640 of the CCDC88A protein (p.Ser1640Thr). This variant is present in population databases (rs757576625, gnomAD 0.06%). This variant has not been reported in the literature in individuals affected with CCDC88A-related conditions. ClinVar contains an entry for this variant (Variation ID: 1477976). An algorithm developed to predict the effect of missense changes on protein structure and function (PolyPhen-2) suggests that this variant is likely to be disruptive. In summary, the available evidence is currently insufficient to determine the role of this variant in disease. Therefore, it has been classified as a Variant of Uncertain Significance.